The following is an entry in ClinVar:

NM_181705.4(LYRM7):c.18G>C (p.Lys6Asn)

Gene: LYRM7 (LYR motif containing 7; plus strand). Cytogenetic location: 5q23.3.
Variant type: single nucleotide variant.
Coding change: c.18G>C on transcript NM_181705.4 (MANE Select); coding-DNA position 18, G replaced by C.
Protein change: p.Lys6Asn; replaces lysine 6 with asparagine.
Molecular consequence: missense variant. On other transcripts: non-coding transcript variant (1).
Genome position (GRCh38, 1-based): chr5:131,171,038, G>C. VCF-style: chr5-131171038-G-C. GRCh37 (hg19) VCF-style: chr5-130506731-G-C.
Other names: c.18G>C, p.Lys6Asn (NM_001293735.2); short protein forms K6N.
Identifiers: ClinVar variation 1350806 (VCV001350806.8), dbSNP rs1347420866, ClinGen allele CA360839251.
Genomic context (GRCh38, chr5:131,171,038, plus strand): 5'-CTACTCGACTGCTCTGGAGGTAGCGGCCGCGGTGAGGAGAGCCATGGGACGGGCAGTCAA[G>C]GTGACAGGGCCCGGGAAGGGGTGGGTACGATGCCGTCGGGGAGGGTATGTTCGCGTCCTT-3'
Protein context (NP_859056.2, residues 1-16): MGRAV[Lys6Asn]VLQLFKTLHR

ClinVar aggregate classification (germline): Uncertain significance (1 of 4 stars; one submission).

Allele frequency attached by ClinVar (database versions not stated): gnomAD exomes below 0.00001; gnomAD 0.00001; TOPMed 0.00001.
gnomAD v4.1: 4 of 1,531,720 alleles (0.00026%); highest among the groups gnomAD compares: African/African-American, 0.0043%; no homozygotes.

Submission:

Labcorp Genetics (formerly Invitae), Labcorp
Classification: Uncertain significance. Last evaluated: 2021-12-02. Review status: criteria provided, single submitter. Criteria: Invitae Variant Classification Sherloc (09022015). Collection method: clinical testing. Allele origin: germline.
Comment: Variants that disrupt the consensus splice site are a relatively common cause of aberrant splicing (PMID: 17576681, 9536098). Algorithms developed to predict the effect of sequence changes on RNA splicing suggest that this variant may disrupt the consensus splice site. Algorithms developed to predict the effect of missense changes on protein structure and function are either unavailable or do not agree on the potential impact of this missense change (SIFT: "Deleterious"; PolyPhen-2: "Benign"; Align-GVGD: "Class C0"). This variant has not been reported in the literature in individuals affected with LYRM7-related conditions. This variant is not present in population databases (gnomAD no frequency). This sequence change replaces lysine, which is basic and polar, with asparagine, which is neutral and polar, at codon 6 of the LYRM7 protein (p.Lys6Asn). This variant also falls at the last nucleotide of exon 1, which is part of the consensus splice site for this exon. In summary, the available evidence is currently insufficient to determine the role of this variant in disease. Therefore, it has been classified as a Variant of Uncertain Significance.

Literature cited by the submitters: PubMed 17576681; PubMed 9536098.